The following is an entry in ClinVar:

ClinVar aggregate classification (germline): Pathogenic. Review status: reviewed by expert panel (3 of 4 stars). 2 submissions from 2 submitters: Pathogenic (1). 1 of the submissions does not count toward it. Last evaluated 2017-12-15.

Conditions:
Breast-ovarian cancer, familial, susceptibility to, 1 (BROVCA1). Also called: OVARIAN CANCER, SUSCEPTIBILITY TO; BRCA1 Hereditary Breast and Ovarian Cancer. Identifiers: Orphanet 145, MedGen C2676676, MONDO:0011450, OMIM 604370. Disease mechanism: loss of function.
Familial cancer of breast. Also called: Hereditary breast cancer; hereditary breast carcinoma; BREAST CANCER, FAMILIAL. Identifiers: Orphanet 227535, MedGen C0346153, MONDO:0016419, OMIM 114480. Disease mechanism: loss of function.

Submissions (2):

Evidence-based Network for the Interpretation of Germline Mutant Alleles (ENIGMA)
Classification: Pathogenic for Breast-ovarian cancer, familial, susceptibility to, 1. Last evaluated: 2017-12-15. Review status: reviewed by expert panel. Criteria: ENIGMA BRCA1/2 Classification Criteria (2017-06-29). Collection method: curation. Allele origin: germline. Study: ENIGMA.
Comment: Variant allele predicted to encode a truncated non-functional protein.

ClinVar Staff, National Center for Biotechnology Information (NCBI)
No classification provided. Condition: Familial cancer of breast. Review status: no classification provided. Collection method: literature only. Allele origin: germline. Affected: yes. Not counted in ClinVar's aggregate classification.

Literature cited by the submitters: PubMed 18334730 (cited by ClinVar Staff, National Center for Biotechnology Information (NCBI)).

NM_007294.4(BRCA1):c.2551del (p.Glu851fs)

Gene: BRCA1 (BRCA1 DNA repair associated; minus strand). Cytogenetic location: 17q21.31.
Variant type: Deletion.
Coding change: c.2551del on transcript NM_007294.4 (MANE Select); coding-DNA position 2551, one base deleted (G; older notation c.2551delG).
Protein change: p.Glu851fs; shifts the reading frame from glutamic acid 851.
Molecular consequence: frameshift variant. On other transcripts: intron variant (137).
Genome position (GRCh38, 1-based): chr17:43,092,980, C deleted on the plus strand (G on the coding strand, the reverse complement: BRCA1 is on the minus strand). VCF-style (leftmost placement, unchanged base first): chr17-43092979-TC-T. GRCh37 (hg19) VCF-style: chr17-41244996-TC-T.
Other names: c.2341del, p.Glu781fs (NM_001407889.1, NM_001407900.1, NM_001407902.1 and 13 more transcripts); c.2338del, p.Glu780fs (NM_001407894.1, NM_001407895.1, NM_001407896.1 and 9 more transcripts); c.2428del, p.Glu810fs (NM_001407919.1, NM_001407937.1, NM_001407938.1 and 19 more transcripts); c.2287del, p.Glu763fs (NM_001407920.1, NM_001407921.1, NM_001407922.1 and 9 more transcripts); c.2284del, p.Glu762fs (NM_001407930.1, NM_001407931.1, NM_001407932.1 and 2 more transcripts); c.2425del, p.Glu809fs (NM_001407940.1, NM_001407941.1, NM_001407649.1 and 11 more transcripts); c.2410del, p.Glu804fs (NM_001407942.1, NM_001407944.1, NM_001407945.1 and 29 more transcripts); c.2407del, p.Glu803fs (NM_001407943.1, NM_001407964.1, NM_001407740.1 and 20 more transcripts); and 41 more; short protein forms E804fs, E851fs, E723fs, E724fs, E739fs, E781fs, E824fs, E848fs.
Identifiers: ClinVar variation 54596 (VCV000054596.3), dbSNP rs397508977, ClinGen allele CA001681.